The following is an entry in ClinVar:

ClinVar aggregate classification (germline): Pathogenic (1 of 4 stars; one submission).

Submission:

Illumina Laboratory Services, Illumina
Classification: Pathogenic. Last evaluated: 2023-05-12. Review status: criteria provided, single submitter. Criteria: ICSL CNVClassificationCriteria Aug2020. Collection method: clinical testing. Allele origin: unknown.
Comment: This CNV is a 473 kb deletion of 15q11.2 on chromosome 15, seq[GRCh37]del(15)(q11.2), NC_000015.9:g.22750407_23223112del. This CNV encompasses the following protein coding genes: CYFIP1, NIPA1, NIPA2, and TUBGCP5. While the precise breakpoints of this CNV cannot be determined due to the presence of low copy repeats on both ends, their general locations correspond well with the recurrent BP1-BP2 breakpoints known to be associated with 15q11.2 microdeletion syndrome which is known to have low penetrance (PMID: 25689425). Based on the available evidence, this CNV is classified as pathogenic.

Single allele

Genes: CYFIP1 (cytoplasmic FMR1 interacting protein 1; minus strand), NIPA1 (NIPA magnesium transporter 1; plus strand), NIPA2 (NIPA magnesium transporter 2; plus strand), TUBGCP5 (tubulin gamma complex component 5; minus strand). Cytogenetic location: 15q11.2.
Variant type: Deletion.
Identifiers: ClinVar variation 2671614 (VCV002671614.1).